The following is an entry in ClinVar:

NM_001035.3(RYR2):c.4566C>T (p.Ala1522=)

Gene: RYR2 (ryanodine receptor 2; plus strand). Cytogenetic location: 1q43.
Variant type: single nucleotide variant.
Coding change: c.4566C>T on transcript NM_001035.3 (MANE Select); coding-DNA position 4566, C replaced by T.
Protein change: p.Ala1522=; no amino-acid change (alanine 1522 retained).
Molecular consequence: synonymous variant.
Genome position (GRCh38, 1-based): chr1:237,595,627, C>T. VCF-style: chr1-237595627-C-T. GRCh37 (hg19) VCF-style: chr1-237758927-C-T.
Identifiers: ClinVar variation 2454027 (VCV002454027.7), dbSNP rs2546655711, ClinGen allele CA423820491.

ClinVar aggregate classification (germline): Likely benign. Review status: criteria provided, multiple submitters, no conflicts (2 of 4 stars). 4 submissions from 4 submitters: Likely benign (3). 1 of the submissions does not count toward it. Last evaluated 2024-10-16.

Conditions:
Catecholaminergic polymorphic ventricular tachycardia (CVPT). Also called: Catecholamine-induced polymorphic ventricular tachycardia. Identifiers: Orphanet 3286, MedGen C5574922, MONDO:0017990.
RYR2-related disorder. Also called: RYR2-related condition.
Catecholaminergic polymorphic ventricular tachycardia 1. Also called: VENTRICULAR TACHYCARDIA, STRESS-INDUCED POLYMORPHIC 1; VENTRICULAR TACHYCARDIA, CATECHOLAMINERGIC POLYMORPHIC, 1, WITH OR WITHOUT ATRIAL DYSFUNCTION AND/OR DILATED CARDIOMYOPATHY; RYR2-Related Catecholaminergic Polymorphic Ventricular Tachycardia. Identifiers: Orphanet 3286, MedGen C1631597, MONDO:0011484, OMIM 604772.
Cardiovascular phenotype. Identifiers: MedGen CN230736.

Allele frequency attached by ClinVar (database versions not stated): gnomAD exomes below 0.00001.
gnomAD v4.1: 1 of 1,613,300 alleles (0.000062%); highest among the groups gnomAD compares: Non-Finnish European, 0.000085%; no homozygotes.

Submissions (4):

Labcorp Genetics (formerly Invitae), Labcorp
Classification: Likely benign for Catecholaminergic polymorphic ventricular tachycardia 1. Last evaluated: 2024-10-16. Review status: criteria provided, single submitter. Criteria: Invitae Variant Classification Sherloc (09022015). Collection method: clinical testing. Allele origin: germline.

Ambry Genetics
Classification: Likely benign for Cardiovascular phenotype. Last evaluated: 2023-02-25. Review status: criteria provided, single submitter. Criteria: Ambry Variant Classification Scheme 2023. Collection method: clinical testing. Allele origin: germline.

All of Us Research Program, National Institutes of Health
Classification: Likely benign for Catecholaminergic polymorphic ventricular tachycardia. Last evaluated: 2023-02-24. Review status: criteria provided, single submitter. Criteria: ACMG Guidelines, 2015. Collection method: clinical testing. Allele origin: germline. Inheritance: Autosomal dominant inheritance. Observed: 1 variant allele, 1 heterozygote.
Comment: This study involves interpretation of variants in research participants for the purpose of population health screening. Participant phenotype was not available at the time of variant classification. Additional details can be found in publication PMID: 35346344, PMCID: PMC8962531

PreventionGenetics, part of Exact Sciences
Classification: Likely benign for RYR2-related condition. Last evaluated: 2023-08-10. Review status: no assertion criteria provided. Collection method: clinical testing. Allele origin: germline. Not counted in ClinVar's aggregate classification.
Comment: This variant is classified as likely benign based on ACMG/AMP sequence variant interpretation guidelines (Richards et al. 2015 PMID: 25741868, with internal and published modifications).